The following is an entry in ClinVar:

NM_001366385.1(CARD14):c.383T>C (p.Leu128Pro)

Gene: CARD14 (caspase recruitment domain family member 14; plus strand). Cytogenetic location: 17q25.3.
Variant type: single nucleotide variant.
Coding change: c.383T>C on transcript NM_001366385.1 (MANE Select); coding-DNA position 383, T replaced by C.
Protein change: p.Leu128Pro; replaces leucine 128 with proline.
Molecular consequence: missense variant. On other transcripts: non-coding transcript variant (1).
Genome position (GRCh38, 1-based): chr17:80,183,946, T>C. VCF-style: chr17-80183946-T-C. GRCh37 (hg19) VCF-style: chr17-78157745-T-C.
Other names: c.383T>C, p.Leu128Pro (NM_001257970.1, NM_024110.4); short protein forms L128P.
Identifiers: ClinVar variation 952642 (VCV000952642.10), dbSNP rs2040254765, ClinGen allele CA401335776.
Genomic context (GRCh38, chr17:80,183,946, plus strand): 5'-CTTGCTCACCTGCCCATCTGCCCACAGGTCTCATGGAGACATCCAAGCTGACCGAGTGCC[T>C]GGCTGGGGCCATCGGCAGCCTGCAGGAGGAGCTGAACCAGGAAAAGGGGCAGAAGGAGGT-3'
Protein context (NP_001353314.1, residues 118-138): LMETSKLTEC[Leu128Pro]AGAIGSLQEE

ClinVar aggregate classification (germline): Uncertain significance (1 of 4 stars; one submission).

Conditions:
Pityriasis rubra pilaris (PRP). Also called: Pityriasis rubra pilaris--familial type. Identifiers: Orphanet 2897, MedGen C0032027, MONDO:0100017, OMIM 173200, MONDO:0008251.
Psoriasis 2. Identifiers: MedGen C1864497, MONDO:0011269, OMIM 602723.

Submission:

Labcorp Genetics (formerly Invitae), Labcorp
Classification: Uncertain significance for Pityriasis rubra pilaris; Psoriasis 2. Last evaluated: 2019-05-14. Review status: criteria provided, single submitter. Criteria: Invitae Variant Classification Sherloc (09022015). Collection method: clinical testing. Allele origin: germline.
Comment: This sequence change replaces leucine with proline at codon 128 of the CARD14 protein (p.Leu128Pro). The leucine residue is highly conserved and there is a moderate physicochemical difference between leucine and proline. This variant is not present in population databases (ExAC no frequency). This variant has not been reported in the literature in individuals with CARD14-related conditions. Algorithms developed to predict the effect of missense changes on protein structure and function are either unavailable or do not agree on the potential impact of this missense change (SIFT: "Deleterious"; PolyPhen-2: "Probably Damaging"; Align-GVGD: "Class C0"). In summary, the available evidence is currently insufficient to determine the role of this variant in disease. Therefore, it has been classified as a Variant of Uncertain Significance.